The following is an entry in ClinVar:

ClinVar aggregate classification (germline): Uncertain significance. Review status: criteria provided, multiple submitters, no conflicts (2 of 4 stars). 2 submissions from 2 submitters: Uncertain significance (2). Last evaluated 2024-02-24.

Conditions:
Aicardi-Goutieres syndrome 3. Identifiers: Orphanet 51, MedGen C1835916, MONDO:0012471, OMIM 610329.

Allele frequency attached by ClinVar (database versions not stated): TOPMed below 0.00001; gnomAD 0.00001; ExAC 0.00004.

Submissions (2):

Labcorp Genetics (formerly Invitae), Labcorp
Classification: Uncertain significance for Aicardi-Goutieres syndrome 3. Last evaluated: 2024-02-24. Review status: criteria provided, single submitter. Criteria: Invitae Variant Classification Sherloc (09022015). Collection method: clinical testing. Allele origin: germline.
Comment: This sequence change replaces serine, which is neutral and polar, with asparagine, which is neutral and polar, at codon 152 of the RNASEH2C protein (p.Ser152Asn). This variant is present in population databases (rs781376271, gnomAD 0.004%). This variant has not been reported in the literature in individuals affected with RNASEH2C-related conditions. ClinVar contains an entry for this variant (Variation ID: 879298). An algorithm developed to predict the effect of missense changes on protein structure and function (PolyPhen-2) suggests that this variant is likely to be tolerated. In summary, the available evidence is currently insufficient to determine the role of this variant in disease. Therefore, it has been classified as a Variant of Uncertain Significance.

Illumina Laboratory Services, Illumina
Classification: Uncertain significance for Aicardi-Goutieres syndrome 3. Last evaluated: 2018-01-13. Review status: criteria provided, single submitter. Criteria: ICSL Variant Classification Criteria 13 December 2019. Collection method: clinical testing. Allele origin: germline.

NM_032193.4(RNASEH2C):c.455G>A (p.Ser152Asn)

Gene: RNASEH2C (ribonuclease H2 subunit C; minus strand). Cytogenetic location: 11q13.1.
Variant type: single nucleotide variant.
Coding change: c.455G>A on transcript NM_032193.4 (MANE Select); coding-DNA position 455, G replaced by A.
Protein change: p.Ser152Asn; replaces serine 152 with asparagine.
Molecular consequence: missense variant.
Genome position (GRCh38, 1-based): chr11:65,720,058, C>T on the plus strand (G>A on the coding strand, the complement: RNASEH2C is on the minus strand). VCF-style: chr11-65720058-C-T. GRCh37 (hg19) VCF-style: chr11-65487529-C-T.
Other names: short protein forms S152N.
Identifiers: ClinVar variation 879298 (VCV000879298.6), dbSNP rs781376271, ClinGen allele CA6107685.
Genomic context (GRCh38, chr11:65,720,058, plus strand): 5'-CCCAGCCCATCCACCCGGGGGCAAGACGGAACTCCTCGTCTACTCACCGCTGCCGCAAGG[C>T]TGGGCCAAGTTAAGGCCCCACGCACTTTGGCATCCGGGCCAGGGATGGTCTCCAGACCCC-3'
Protein context (NP_115569.2, residues 142-162): AKVRGALTWP[Ser152Asn]LAAAIHAQVP